The following is an entry in ClinVar:

ClinVar aggregate classification (germline): Uncertain significance (1 of 4 stars; one submission).

Submission:

Labcorp Genetics (formerly Invitae), Labcorp
Classification: Uncertain significance. Last evaluated: 2022-10-21. Review status: criteria provided, single submitter. Criteria: Invitae Variant Classification Sherloc (09022015). Collection method: clinical testing. Allele origin: germline.
Comment: This sequence change replaces asparagine, which is neutral and polar, with serine, which is neutral and polar, at codon 1950 of the HERC1 protein (p.Asn1950Ser). This variant is not present in population databases (gnomAD no frequency). This variant has not been reported in the literature in individuals affected with HERC1-related conditions. Algorithms developed to predict the effect of missense changes on protein structure and function (SIFT, PolyPhen-2, Align-GVGD) all suggest that this variant is likely to be disruptive. In summary, the available evidence is currently insufficient to determine the role of this variant in disease. Therefore, it has been classified as a Variant of Uncertain Significance.

NM_003922.4(HERC1):c.5849A>G (p.Asn1950Ser)

Gene: HERC1 (HECT and RLD domain containing E3 ubiquitin protein ligase family member 1; minus strand). Cytogenetic location: 15q22.31.
Variant type: single nucleotide variant.
Coding change: c.5849A>G on transcript NM_003922.4 (MANE Select); coding-DNA position 5849, A replaced by G.
Protein change: p.Asn1950Ser; replaces asparagine 1950 with serine.
Molecular consequence: missense variant.
Genome position (GRCh38, 1-based): chr15:63,690,629, T>C on the plus strand (A>G on the coding strand, the complement: HERC1 is on the minus strand). VCF-style: chr15-63690629-T-C. GRCh37 (hg19) VCF-style: chr15-63982828-T-C.
Other names: short protein forms N1950S.
Identifiers: ClinVar variation 2097784 (VCV002097784.4), dbSNP rs2551481443, ClinGen allele CA392744251.
Genomic context (GRCh38, chr15:63,690,629, plus strand): 5'-GATTCACAAGCTGGCAGCACAGCTTCAAGGACATGAAGTGCAAGGAGCCTTGTTCTTAAG[T>C]TACCAACCAGAGGGATACCTGGAGGGGAAAAGACCTTTTCTTATTATCAATGTGACTTAA-3'
Protein context (NP_003913.3, residues 1940-1960): KCSSGIPLVG[Asn1950Ser]LRTRLLALHV